The following is an entry in ClinVar:

ClinVar aggregate classification (germline): Uncertain significance (1 of 4 stars; one submission).

Submission:

GeneDx
Classification: Uncertain significance. Last evaluated: 2023-06-18. Review status: criteria provided, single submitter. Criteria: GeneDx Variant Classification Process June 2021. Collection method: clinical testing. Allele origin: germline. Affected: yes.
Comment: Not observed at significant frequency in large population cohorts (gnomAD); In silico analysis supports that this missense variant has a deleterious effect on protein structure/function; Has not been previously published as pathogenic or benign to our knowledge

NM_001244008.2(KIF1A):c.1151A>G (p.Tyr384Cys)

Gene: KIF1A (kinesin family member 1A; minus strand). Cytogenetic location: 2q37.3.
Variant type: single nucleotide variant.
Coding change: c.1151A>G on transcript NM_001244008.2 (MANE Select); coding-DNA position 1151, A replaced by G.
Protein change: p.Tyr384Cys; replaces tyrosine 384 with cysteine.
Molecular consequence: missense variant.
Genome position (GRCh38, 1-based): chr2:240,773,143, T>C on the plus strand (A>G on the coding strand, the complement: KIF1A is on the minus strand). VCF-style: chr2-240773143-T-C. GRCh37 (hg19) VCF-style: chr2-241712560-T-C.
Other names: c.1151A>G, p.Tyr384Cys (NM_001320705.2, NM_001330289.2, NM_001330290.2 and 20 more transcripts); short protein forms Y384C.
Identifiers: ClinVar variation 3359986 (VCV003359986.1).